The following is an entry in ClinVar:

NM_000081.4(LYST):c.2803G>A (p.Glu935Lys)

Gene: LYST (lysosomal trafficking regulator; minus strand). Cytogenetic location: 1q42.3.
Variant type: single nucleotide variant.
Coding change: c.2803G>A on transcript NM_000081.4 (MANE Select); coding-DNA position 2803, G replaced by A.
Protein change: p.Glu935Lys; replaces glutamic acid 935 with lysine.
Molecular consequence: missense variant.
Genome position (GRCh38, 1-based): chr1:235,806,333, C>T on the plus strand (G>A on the coding strand, the complement: LYST is on the minus strand). VCF-style: chr1-235806333-C-T. GRCh37 (hg19) VCF-style: chr1-235969633-C-T.
Other names: c.2803G>A, p.Glu935Lys (NM_001301365.1); short protein forms E935K.
Identifiers: ClinVar variation 1010032 (VCV001010032.4), dbSNP rs748576792, ClinGen allele CA1467209.
Genomic context (GRCh38, chr1:235,806,333, plus strand): 5'-CAGGAGAAGGCAAGACAAGGCTCTCGAGAGATATACATGGCAGCATATGACTTAAAGGCT[C>T]GCTGGCTGTGCTGTCATAGCCAGAAGTATCTTCTGAGTCATTGGCCGACTCCCTGTCAGA-3'
Protein context (NP_000072.2, residues 925-945): DTSGYDSTAS[Glu935Lys]PLSHMLPCIS

ClinVar aggregate classification (germline): Uncertain significance (1 of 4 stars; one submission).

Conditions:
Chédiak-Higashi syndrome (CHS). Also called: Chediak-Higashi Syndrome. Identifiers: Orphanet 167, MedGen C0007965, MONDO:0008963, OMIM 214500.

Allele frequency attached by ClinVar (database versions not stated): ExAC 0.00001; gnomAD 0.00001; gnomAD exomes 0.00001.
gnomAD v4.1: 8 of 1,613,812 alleles (0.0005%); highest among the groups gnomAD compares: Admixed American, 0.005%; no homozygotes.

Submission:

Labcorp Genetics (formerly Invitae), Labcorp
Classification: Uncertain significance for Chédiak-Higashi syndrome. Last evaluated: 2022-02-25. Review status: criteria provided, single submitter. Criteria: Invitae Variant Classification Sherloc (09022015). Collection method: clinical testing. Allele origin: germline.
Comment: This sequence change replaces glutamic acid, which is acidic and polar, with lysine, which is basic and polar, at codon 935 of the LYST protein (p.Glu935Lys). This variant is present in population databases (rs748576792, gnomAD 0.009%). This variant has not been reported in the literature in individuals affected with LYST-related conditions. ClinVar contains an entry for this variant (Variation ID: 1010032). Algorithms developed to predict the effect of missense changes on protein structure and function are either unavailable or do not agree on the potential impact of this missense change (SIFT: "Tolerated"; PolyPhen-2: "Probably Damaging"; Align-GVGD: "Class C0"). In summary, the available evidence is currently insufficient to determine the role of this variant in disease. Therefore, it has been classified as a Variant of Uncertain Significance.